The following is an entry in ClinVar:

NM_000548.5(TSC2):c.5200_5213del (p.Asp1734fs)

Gene: TSC2 (TSC complex subunit 2; plus strand). Cytogenetic location: 16p13.3.
Variant type: Deletion.
Coding change: c.5200_5213del on transcript NM_000548.5 (MANE Select); coding-DNA positions 5200 to 5213, 14 bases deleted (GATATCTACCCCTC).
Protein change: p.Asp1734fs; shifts the reading frame from aspartic acid 1734.
Molecular consequence: frameshift variant. On other transcripts: non-coding transcript variant (5).
Genome position (GRCh38, 1-based): chr16:2,088,266-2,088,279, GATATCTACCCCTC deleted; deleting any 14 consecutive bases within chr16:2,088,265-2,088,279 gives the same sequence; the c. name uses the placement nearest the transcript's 3' end. VCF-style (leftmost placement, unchanged base first): chr16-2088264-CCGATATCTACCCCT-C. GRCh37 (hg19) VCF-style: chr16-2138265-CCGATATCTACCCCT-C.
Other names: c.4999_5012del, p.Asp1667fs (NM_001077183.3); c.5131_5144del, p.Asp1711fs (NM_001114382.3); c.4891_4904del, p.Asp1631fs (NM_001318827.2); c.4855_4868del, p.Asp1619fs (NM_001318829.2); c.4468_4481del, p.Asp1490fs (NM_001318831.2); c.5032_5045del, p.Asp1678fs (NM_001318832.2); c.4990_5003del, p.Asp1664fs (NM_001406671.1); c.4987_5000del, p.Asp1663fs (NM_001406673.1); and 27 more; short protein forms D1133fs, D1219fs, D1220fs, D1242fs, D1243fs, D1263fs, D1467fs, D1468fs.
Identifiers: ClinVar variation 3774509 (VCV003774509.1).
Genomic context (GRCh38, chr16:2,088,264, plus strand): 5'-TCACCCCCTGCCTACGTCCCCAGATGGCCTCACAGGTGCATCATAGCCGCTCCAACCCCA[CCGATATCTACCCCT>C]CCAAGTGGATTGCCCGGCTCCGCCACATCAAGCGGCTCCGCCAGCGGGTAGGGAATATGG-3'

ClinVar aggregate classification (germline): Likely pathogenic (1 of 4 stars; one submission).

Conditions:
Tuberous sclerosis 2 (TSC2). Identifiers: Orphanet 805, MedGen C1860707, MONDO:0013199, OMIM 613254.

Submission:

Clinical Genomics Laboratory, Washington University in St. Louis
Classification: Likely pathogenic for Tuberous sclerosis 2. Last evaluated: 2024-10-14. Review status: criteria provided, single submitter. Criteria: Leon-Quintero et al. (Clin Genet. 2025). Collection method: clinical testing. Allele origin: somatic. Affected: yes.
Comment: The TSC2 c.5200_5213del (p.Asp1734Glnfs*36) variant was identified at an allelic fraction consistent with somatic origin. This variant, to our knowledge, has not been reported in medical literatures and is absent from the general population (gnomAD v.4.1.0), indicating it is not a common variant. This variant causes a frameshift by deleting 14 nucleotides; however, because it generates the premature terminal codon within the last exon, this is not predicted to lead to nonsense-mediated decay. This variant resides within the C-terminal Rap-GAP domain of TSC2, that is defined as a critical functional region (Yang H et al., PMID: 33436626).Based on available information and an internally developed protocol informed by the ACMG/AMP guidelines for variant interpretation and gene-specific practices from the ClinGen Criteria Specification Registry (Leon-Quintero FZ et al., PMID: 39434542), the TSC2 c.5200_5213del (p.Asp1734Glnfs*36) variant is classified as likely pathogenic.